The following is an entry in ClinVar:

ClinVar aggregate classification (germline): Benign/Likely benign. Review status: criteria provided, multiple submitters, no conflicts (2 of 4 stars). 7 submissions from 7 submitters: Benign (3); Likely benign (2). 2 of the submissions do not count toward it. Last evaluated 2025-12-23.

Conditions:
Occult macular dystrophy (OCMD). Also called: OMD; OCCULT MACULAR DYSTROPHY, SUSCEPTIBILITY TO. Identifiers: Orphanet 247834, MedGen C3150833, MONDO:0013316, OMIM 613587, HP:0030636.
Retinal dystrophy. Also called: Inherited retinal dystrophy. Identifiers: Orphanet 71862, MedGen C0854723, MeSH D058499, MONDO:0019118, HP:0000556.

Allele frequency attached by ClinVar (database versions not stated): 1000 Genomes Project 0.00060; 1000 Genomes Project 30x 0.00062; TOPMed 0.00162; gnomAD exomes 0.00183; ExAC 0.00184; gnomAD 0.00196 and 0.00200; ESP Exome Variant Server 0.00210.
gnomAD v4.1: 4,251 of 1,614,030 alleles (0.26%); highest among the groups gnomAD compares: Non-Finnish European, 0.3%; 10 homozygotes.

Submissions (7):

Labcorp Genetics (formerly Invitae), Labcorp
Classification: Benign. Last evaluated: 2025-12-23. Review status: criteria provided, single submitter. Criteria: Invitae Variant Classification Sherloc (09022015). Collection method: clinical testing. Allele origin: germline.

CeGaT Center for Human Genetics Tuebingen
Classification: Likely benign. Last evaluated: 2025-09-01. Review status: criteria provided, single submitter. Criteria: CeGaT Center For Human Genetics Tuebingen Variant Classification Criteria Version 2. Collection method: clinical testing. Allele origin: germline. Affected: yes. Observed: 5 variant alleles.
Comment: RP1L1: BP4, BP7

Blueprint Genetics
Classification: Benign. Last evaluated: 2024-11-19. Review status: criteria provided, single submitter. Criteria: ACMG Guidelines, 2015. Collection method: clinical testing. Allele origin: germline.

Dept Of Ophthalmology, Nagoya University
Classification: Likely benign for Retinal dystrophy. Last evaluated: 2023-10-01. Review status: criteria provided, single submitter. Criteria: Submitter's publication. Collection method: research. Allele origin: germline. Affected: yes.

Illumina Laboratory Services, Illumina
Classification: Benign for Occult macular dystrophy. Last evaluated: 2018-01-13. Review status: criteria provided, single submitter. Criteria: ICSL Variant Classification Criteria 13 December 2019. Collection method: clinical testing. Allele origin: germline.
Comment: This variant was observed in the ICSL laboratory as part of a predisposition screen in an ostensibly healthy population. It had not been previously curated by ICSL or reported in the Human Gene Mutation Database (HGMD: prior to June 1st, 2018), and was therefore a candidate for classification through an automated scoring system. Utilizing variant allele frequency, disease prevalence and penetrance estimates, and inheritance mode, an automated score was calculated to assess if this variant is too frequent to cause the disease. Based on the score and internal cut-off values, a variant classified as benign is not then subjected to further curation. The score for this variant resulted in a classification of benign for this disease.

Clinical Genetics DNA and cytogenetics Diagnostics Lab, Erasmus MC, Erasmus Medical Center
Classification: Likely benign. Review status: no assertion criteria provided. Collection method: clinical testing. Allele origin: germline. Affected: yes. Study: VKGL Data-share Consensus. Not counted in ClinVar's aggregate classification.

Clinical Genetics, Academic Medical Center
Classification: Benign. Review status: no assertion criteria provided. Collection method: clinical testing. Allele origin: germline. Affected: yes. Study: VKGL Data-share Consensus. Not counted in ClinVar's aggregate classification.

NM_178857.6(RP1L1):c.273C>T (p.Ser91=)

Gene: RP1L1 (RP1 like 1). Cytogenetic location: 8p23.1.
Variant type: single nucleotide variant.
Coding change: c.273C>T on transcript NM_178857.6 (MANE Select); coding-DNA position 273, C replaced by T.
Protein change: p.Ser91=; no amino-acid change (serine 91 retained).
Molecular consequence: synonymous variant.
Genome position (GRCh38, 1-based): chr8:10,622,929, G>A on the plus strand (C>T on the coding strand, the complement: RP1L1 is on the minus strand). VCF-style: chr8-10622929-G-A. GRCh37 (hg19) VCF-style: chr8-10480439-G-A.
Identifiers: ClinVar variation 361420 (VCV000361420.57), dbSNP rs201810499, ClinGen allele CA4625782.
Genomic context (GRCh38, chr8:10,622,929, plus strand): 5'-CTTGGGGGGCTTCTTATCAGAGCAGAGGTAGCAGCCTCCATCTTCCAGCTGCTCCAGGGC[G>A]CTGAGGCTATGCAGGCCCCGGGGTGTGGTGACAGAGCGCACCCCAAAGGAGAGAGGCACG-3'
Protein context (NP_849188.4, residues 81-101): VTTPRGLHSL[Ser91=]ALEQLEDGGC